The following is an entry in ClinVar:

ClinVar aggregate classification (germline): Uncertain significance (1 of 4 stars; one submission).

gnomAD v4.1: 1 of 1,614,230 alleles (0.000062%); highest among the groups gnomAD compares: Non-Finnish European, 0.000085%; no homozygotes.

Submission:

GeneDx
Classification: Uncertain significance. Last evaluated: 2025-06-11. Review status: criteria provided, single submitter. Criteria: GeneDx Variant Classification Process June 2021. Collection method: clinical testing. Allele origin: germline. Affected: yes.
Comment: Not observed at significant frequency in large population cohorts (gnomAD); In silico analysis suggests that this missense variant does not alter protein structure/function; Has not been previously published as pathogenic or benign to our knowledge

NM_001378969.1(KCND3):c.1894C>A (p.Pro632Thr)

Gene: KCND3 (potassium voltage-gated channel subfamily D member 3; minus strand). Cytogenetic location: 1p13.2.
Variant type: single nucleotide variant.
Coding change: c.1894C>A on transcript NM_001378969.1 (MANE Select); coding-DNA position 1894, C replaced by A.
Protein change: p.Pro632Thr; replaces proline 632 with threonine.
Molecular consequence: missense variant.
Genome position (GRCh38, 1-based): chr1:111,776,151, G>T on the plus strand (C>A on the coding strand, the complement: KCND3 is on the minus strand). VCF-style: chr1-111776151-G-T. GRCh37 (hg19) VCF-style: chr1-112318773-G-T.
Other names: c.1837C>A, p.Pro613Thr (NM_001378970.1, NM_172198.3); c.1894C>A, p.Pro632Thr (NM_004980.5); short protein forms P613T, P632T.
Identifiers: ClinVar variation 4537700 (VCV004537700.1).